The following is an entry in ClinVar:

ClinVar aggregate classification (germline): Uncertain significance. Review status: criteria provided, multiple submitters, no conflicts (2 of 4 stars). 2 submissions from 2 submitters: Uncertain significance (2). Last evaluated 2023-10-28.

Conditions:
Dilated cardiomyopathy 1D. Identifiers: Orphanet 154, Orphanet 54260, MedGen C1832243, MONDO:0011095, OMIM 601494.
Cardiomyopathy, familial restrictive, 3. Identifiers: Orphanet 75249, MedGen C2676271, MONDO:0012900, OMIM 612422.
Hypertrophic cardiomyopathy 2. Also called: TNNT2-Related Familial Hypertrophic Cardiomyopathy. Identifiers: MedGen C1861864, MONDO:0007266, OMIM 115195.
Cardiomyopathy (CMYO). Also called: Cardiomyopathies. Identifiers: Orphanet 167848, MedGen C0878544, MONDO:0004994, HP:0001638. Inheritance: Various modes of inheritance.

Submissions (2):

Labcorp Genetics (formerly Invitae), Labcorp
Classification: Uncertain significance for Cardiomyopathy, familial restrictive, 3; Hypertrophic cardiomyopathy 2; Dilated cardiomyopathy 1D. Last evaluated: 2023-10-28. Review status: criteria provided, single submitter. Criteria: Invitae Variant Classification Sherloc (09022015). Collection method: clinical testing. Allele origin: germline.
Comment: This sequence change replaces leucine, which is neutral and non-polar, with phenylalanine, which is neutral and non-polar, at codon 123 of the TNNT2 protein (p.Leu123Phe). This variant is not present in population databases (gnomAD no frequency). This variant has not been reported in the literature in individuals affected with TNNT2-related conditions. Advanced modeling of protein sequence and biophysical properties (such as structural, functional, and spatial information, amino acid conservation, physicochemical variation, residue mobility, and thermodynamic stability) performed at Invitae indicates that this missense variant is expected to disrupt TNNT2 protein function with a positive predictive value of 95%. In summary, the available evidence is currently insufficient to determine the role of this variant in disease. Therefore, it has been classified as a Variant of Uncertain Significance.

All of Us Research Program, National Institutes of Health
Classification: Uncertain significance for Cardiomyopathy. Last evaluated: 2023-03-09. Review status: criteria provided, single submitter. Criteria: ACMG Guidelines, 2015. Collection method: clinical testing. Allele origin: germline. Inheritance: Autosomal dominant inheritance. Observed: 1 variant allele, 1 heterozygote.
Comment: This missense variant replaces leucine with phenylalanine at codon 123 of the TNNT2 protein. Computational prediction suggests that this variant may have deleterious impact on protein structure and function (internally defined REVEL score threshold >= 0.7, PMID: 27666373). To our knowledge, functional studies have not been reported for this variant. This variant has not been reported in individuals affected with TNNT2-related disorders in the literature. This variant has not been identified in the general population by the Genome Aggregation Database (gnomAD). The available evidence is insufficient to determine the role of this variant in disease conclusively. Therefore, this variant is classified as a Variant of Uncertain Significance.

This study involves interpretation of variants in research participants for the purpose of population health screening. Participant phenotype was not available at the time of variant classification. Additional details can be found in publication PMID: 35346344, PMCID: PMC8962531

NM_001276345.2(TNNT2):c.397C>T (p.Leu133Phe)

Gene: TNNT2 (troponin T2, cardiac type; minus strand). Cytogenetic location: 1q32.1.
Variant type: single nucleotide variant.
Coding change: c.397C>T on transcript NM_001276345.2 (MANE Select); coding-DNA position 397, C replaced by T.
Protein change: p.Leu133Phe; replaces leucine 133 with phenylalanine.
Molecular consequence: missense variant. On other transcripts: intron variant (1).
Genome position (GRCh38, 1-based): chr1:201,365,205, G>A on the plus strand (C>T on the coding strand, the complement: TNNT2 is on the minus strand). VCF-style: chr1-201365205-G-A. GRCh37 (hg19) VCF-style: chr1-201334333-G-A.
Other names: c.397C>T, p.Leu133Phe (NM_000364.4, NM_001406723.1); c.367C>T, p.Leu123Phe (NM_001001430.3, NM_001001431.3, NM_001276347.2 and 3 more transcripts); c.352C>T, p.Leu118Phe (NM_001001432.3, NM_001406728.1); c.364C>T, p.Leu122Phe (NM_001406725.1); c.291+405C>T (NM_001276346.2); short protein forms L118F, L122F, L133F, L123F.
Identifiers: ClinVar variation 2942251 (VCV002942251.4), dbSNP rs2102260733, ClinGen allele CA344206202.